The following is an entry in ClinVar:

NM_001113378.2(FANCI):c.84+7A>G

Gene: FANCI (FA complementation group I; plus strand). Cytogenetic location: 15q26.1.
Variant type: single nucleotide variant.
Coding change: c.84+7A>G on transcript NM_001113378.2 (MANE Select); 7 bases into the intron after coding-DNA position 84, A replaced by G.
Molecular consequence: intron variant.
Genome position (GRCh38, 1-based): chr15:89,247,738, A>G. VCF-style: chr15-89247738-A-G. GRCh37 (hg19) VCF-style: chr15-89790969-A-G.
Other names: c.84+7A>G (NM_018193.3, NM_001376911.1); c.-196+12A>G (NM_001376910.1).
Identifiers: ClinVar variation 3701976 (VCV003701976.2).
Genomic context (GRCh38, chr15:89,247,738, plus strand): 5'-GAAAAAACAGCAGACAAACTGCAAGAATTTCTTCAAACCCTGAGAGAAGGTGATGTGAGT[A>G]TTAGGAAGCATGTTCTGCTAAAAGTAAATGTCAGGCATGATGACACATTCAAAGGACATG-3'

ClinVar aggregate classification (germline): Uncertain significance (1 of 4 stars; one submission).

Conditions:
Fanconi anemia (FA). Also called: Fanconi's anemia. Identifiers: Orphanet 84, MedGen C0015625, MeSH D005199, MONDO:0019391.

gnomAD v4.1: 1 of 1,612,322 alleles (0.000062%); highest among the groups gnomAD compares: Non-Finnish European, 0.000085%; no homozygotes.

Submission:

Labcorp Genetics (formerly Invitae), Labcorp
Classification: Uncertain significance for Fanconi anemia. Last evaluated: 2024-02-13. Review status: criteria provided, single submitter. Criteria: Invitae Variant Classification Sherloc (09022015). Collection method: clinical testing. Allele origin: germline.
Comment: This sequence change falls in intron 2 of the FANCI gene. It does not directly change the encoded amino acid sequence of the FANCI protein. This variant is not present in population databases (gnomAD no frequency). This variant has not been reported in the literature in individuals affected with FANCI-related conditions. Algorithms developed to predict the effect of sequence changes on RNA splicing suggest that this variant may disrupt the consensus splice site. In summary, the available evidence is currently insufficient to determine the role of this variant in disease. Therefore, it has been classified as a Variant of Uncertain Significance.